The following is an entry in ClinVar:

ClinVar aggregate classification (germline): Uncertain significance. Review status: criteria provided, multiple submitters, no conflicts (2 of 4 stars). 2 submissions from 2 submitters: Uncertain significance (2). Last evaluated 2025-09-25.

Allele frequency attached by ClinVar (database versions not stated): TOPMed 0.00001; gnomAD 0.00002; gnomAD exomes 0.00003; ExAC 0.00005.
gnomAD v4.1: 17 of 1,567,904 alleles (0.0011%); highest among the groups gnomAD compares: East Asian, 0.013%; no homozygotes.

Submissions (5):

Labcorp Genetics (formerly Invitae), Labcorp
Classification: Uncertain significance. Last evaluated: 2025-09-25. Review status: criteria provided, single submitter. Criteria: Invitae Variant Classification Sherloc (09022015). Collection method: clinical testing. Allele origin: germline.
Comment: This sequence change replaces arginine, which is basic and polar, with tryptophan, which is neutral and slightly polar, at codon 485 of the RNF31 protein (p.Arg485Trp). This variant is present in population databases (rs747042037, gnomAD 0.006%). This variant has not been reported in the literature in individuals affected with RNF31-related conditions. ClinVar contains an entry for this variant (Variation ID: 1347605). An algorithm developed to predict the effect of missense changes on protein structure and function (PolyPhen-2) suggests that this variant is likely to be disruptive. In summary, the available evidence is currently insufficient to determine the role of this variant in disease. Therefore, it has been classified as a Variant of Uncertain Significance.

Ambry Genetics
Classification: Uncertain significance. Last evaluated: 2025-01-23. Review status: criteria provided, single submitter. Criteria: Ambry Variant Classification Scheme 2023. Collection method: clinical testing. Allele origin: germline.

Dr. Peter K. Rogan Lab, Western University
No classification provided (evidence only). Condition: Melanoma. Review status: no classification provided. Collection method: in vitro. Allele origin: not applicable. Functional consequence: retained intron. Not counted in ClinVar's aggregate classification.

Dr. Peter K. Rogan Lab, Western University
No classification provided (evidence only). Condition: Familial cancer of breast. Review status: no classification provided. Collection method: in vitro. Allele origin: not applicable. Functional consequence: retained intron. Not counted in ClinVar's aggregate classification.

Dr. Peter K. Rogan Lab, Western University
No classification provided (evidence only). Condition: Malignant tumor of esophagus. Review status: no classification provided. Collection method: in vitro. Allele origin: not applicable. Functional consequence: retained intron. Not counted in ClinVar's aggregate classification.

NM_017999.5(RNF31):c.1453C>T (p.Arg485Trp)

Gene: RNF31 (ring finger protein 31; plus strand). Cytogenetic location: 14q12.
Variant type: single nucleotide variant.
Coding change: c.1453C>T on transcript NM_017999.5 (MANE Select); coding-DNA position 1453, C replaced by T.
Protein change: p.Arg485Trp; replaces arginine 485 with tryptophan.
Molecular consequence: missense variant.
Genome position (GRCh38, 1-based): chr14:24,150,853, C>T. VCF-style: chr14-24150853-C-T. GRCh37 (hg19) VCF-style: chr14-24620062-C-T.
Other names: c.1453C>T (NM_017999.4); c.1000C>T, p.Arg334Trp (NM_001310332.2); short protein forms R485W, R334W.
Identifiers: ClinVar variation 1347605 (VCV001347605.8), dbSNP rs747042037, ClinGen allele CA7125770.